The following is an entry in ClinVar:

ClinVar aggregate classification (germline): Uncertain significance (1 of 4 stars; one submission).

Conditions:
Autosomal dominant limb-girdle muscular dystrophy type 1F (LGMDD2). Also called: Limb-girdle muscular dystrophy, type 1F; MUSCULAR DYSTROPHY, LIMB-GIRDLE, AUTOSOMAL DOMINANT 2. Identifiers: Orphanet 55595, MedGen C1842062, MONDO:0012034, OMIM 608423.

Allele frequency attached by ClinVar (database versions not stated): gnomAD exomes below 0.00001; TOPMed below 0.00001.
gnomAD v4.1: 1 of 1,613,644 alleles (0.000062%); highest among the groups gnomAD compares: Non-Finnish European, 0.000085%; no homozygotes.

Submission:

Labcorp Genetics (formerly Invitae), Labcorp
Classification: Uncertain significance for Autosomal dominant limb-girdle muscular dystrophy type 1F. Last evaluated: 2025-03-05. Review status: criteria provided, single submitter. Criteria: Invitae Variant Classification Sherloc (09022015). Collection method: clinical testing. Allele origin: germline.
Comment: This sequence change replaces arginine, which is basic and polar, with cysteine, which is neutral and slightly polar, at codon 762 of the TNPO3 protein (p.Arg762Cys). This variant is not present in population databases (gnomAD no frequency). This variant has not been reported in the literature in individuals affected with TNPO3-related conditions. ClinVar contains an entry for this variant (Variation ID: 2187724). Invitae Evidence Modeling of protein sequence and biophysical properties (such as structural, functional, and spatial information, amino acid conservation, physicochemical variation, residue mobility, and thermodynamic stability) indicates that this missense variant is not expected to disrupt TNPO3 protein function with a negative predictive value of 80%. In summary, the available evidence is currently insufficient to determine the role of this variant in disease. Therefore, it has been classified as a Variant of Uncertain Significance.

NM_012470.4(TNPO3):c.2284C>T (p.Arg762Cys)

Gene: TNPO3 (transportin 3; minus strand). Cytogenetic location: 7q32.1.
Variant type: single nucleotide variant.
Coding change: c.2284C>T on transcript NM_012470.4 (MANE Select); coding-DNA position 2284, C replaced by T.
Protein change: p.Arg762Cys; replaces arginine 762 with cysteine.
Molecular consequence: missense variant. On other transcripts: non-coding transcript variant (18).
Genome position (GRCh38, 1-based): chr7:128,972,572, G>A on the plus strand (C>T on the coding strand, the complement: TNPO3 is on the minus strand). VCF-style: chr7-128972572-G-A. GRCh37 (hg19) VCF-style: chr7-128612626-G-A.
Other names: c.2092C>T, p.Arg698Cys (NM_001191028.3, NM_001382223.1); c.2386C>T, p.Arg796Cys (NM_001382216.1); c.2365C>T, p.Arg789Cys (NM_001382217.1); c.2284C>T, p.Arg762Cys (NM_001382218.1); c.2176C>T, p.Arg726Cys (NM_001382219.1); c.2143C>T, p.Arg715Cys (NM_001382220.1); c.2140C>T, p.Arg714Cys (NM_001382221.1); c.2137C>T, p.Arg713Cys (NM_001382222.1); short protein forms R698C, R714C, R715C, R726C, R713C, R789C, R796C, R762C.
Identifiers: ClinVar variation 2187724 (VCV002187724.4), dbSNP rs964315128, ClinGen allele CA166244549.